The following is an entry in ClinVar:

ClinVar aggregate classification (germline): Uncertain significance (1 of 4 stars; one submission).

Submission:

Labcorp Genetics (formerly Invitae), Labcorp
Classification: Uncertain significance. Last evaluated: 2024-01-07. Review status: criteria provided, single submitter. Criteria: Invitae Variant Classification Sherloc (09022015). Collection method: clinical testing. Allele origin: germline.
Comment: This sequence change replaces alanine, which is neutral and non-polar, with threonine, which is neutral and polar, at codon 132 of the CNOT1 protein (p.Ala132Thr). This variant is not present in population databases (gnomAD no frequency). This variant has not been reported in the literature in individuals affected with CNOT1-related conditions. An algorithm developed to predict the effect of missense changes on protein structure and function (PolyPhen-2) suggests that this variant is likely to be disruptive. In summary, the available evidence is currently insufficient to determine the role of this variant in disease. Therefore, it has been classified as a Variant of Uncertain Significance.

NM_016284.5(CNOT1):c.394G>A (p.Ala132Thr)

Gene: CNOT1 (CCR4-NOT transcription complex subunit 1; minus strand). Cytogenetic location: 16q21.
Variant type: single nucleotide variant.
Coding change: c.394G>A on transcript NM_016284.5 (MANE Select); coding-DNA position 394, G replaced by A.
Protein change: p.Ala132Thr; replaces alanine 132 with threonine.
Molecular consequence: missense variant. On other transcripts: non-coding transcript variant (1).
Genome position (GRCh38, 1-based): chr16:58,587,240, C>T on the plus strand (G>A on the coding strand, the complement: CNOT1 is on the minus strand). VCF-style: chr16-58587240-C-T. GRCh37 (hg19) VCF-style: chr16-58621144-C-T.
Other names: c.394G>A, p.Ala132Thr (NM_001265612.2, NM_206999.3); short protein forms A132T.
Identifiers: ClinVar variation 2708054 (VCV002708054.3), dbSNP rs2544114413, ClinGen allele CA396156686.